The following is an entry in ClinVar:

ClinVar aggregate classification (germline): Likely benign. Review status: criteria provided, multiple submitters, no conflicts (2 of 4 stars). 3 submissions from 3 submitters: Likely benign (3). Last evaluated 2025-04-09.

Conditions:
Autosomal recessive limb-girdle muscular dystrophy type 2J (LGMDR10). Also called: Limb-girdle muscular dystrophy, type 2J; MUSCULAR DYSTROPHY, LIMB-GIRDLE, AUTOSOMAL RECESSIVE 10. Identifiers: Orphanet 140922, MedGen C1837342, MONDO:0012127, OMIM 608807.
Dilated cardiomyopathy 1G (CMD1G). Identifiers: Orphanet 154, MedGen C1858763, MONDO:0011400, OMIM 604145.
Cardiovascular phenotype. Identifiers: MedGen CN230736.

Allele frequency attached by ClinVar (database versions not stated): TOPMed below 0.00001.

Submissions (3):

Molecular Diagnostic Laboratory for Inherited Cardiovascular Disease, Montreal Heart Institute
Classification: Likely benign. Last evaluated: 2025-04-09. Review status: criteria provided, single submitter. Criteria: ACMG Guidelines, 2015. Collection method: clinical testing. Allele origin: germline. Affected: no.
Comment: BP7

Ambry Genetics
Classification: Likely benign for Cardiovascular phenotype. Last evaluated: 2023-11-29. Review status: criteria provided, single submitter. Criteria: Ambry Variant Classification Scheme 2023. Collection method: clinical testing. Allele origin: germline.

Labcorp Genetics (formerly Invitae), Labcorp
Classification: Likely benign for Dilated cardiomyopathy 1G; Autosomal recessive limb-girdle muscular dystrophy type 2J. Last evaluated: 2022-11-17. Review status: criteria provided, single submitter. Criteria: Invitae Variant Classification Sherloc (09022015). Collection method: clinical testing. Allele origin: germline.

NM_001267550.2(TTN):c.93063C>T (p.Gly31021=)

Genes: TTN (titin; minus strand), TTN-AS1 (TTN antisense RNA 1; plus strand). Cytogenetic location: 2q31.2.
Variant type: single nucleotide variant.
Coding change: c.93063C>T on transcript NM_001267550.2 (MANE Select); coding-DNA position 93063, C replaced by T.
Protein change: p.Gly31021=; no amino-acid change (glycine 31021 retained).
Molecular consequence: synonymous variant.
Genome position (GRCh38, 1-based): chr2:178,548,563, G>A on the plus strand (C>T on the coding strand, the complement: TTN is on the minus strand). VCF-style: chr2-178548563-G-A. GRCh37 (hg19) VCF-style: chr2-179413290-G-A.
Other names: c.88140C>T, p.Gly29380= (NM_001256850.1); c.65868C>T, p.Gly21956= (NM_003319.4); c.85359C>T, p.Gly28453= (NM_133378.4); c.66243C>T, p.Gly22081= (NM_133432.3); c.66444C>T, p.Gly22148= (NM_133437.4).
Identifiers: ClinVar variation 1620671 (VCV001620671.10), dbSNP rs1575474931, ClinGen allele CA430243941.